The following is an entry in ClinVar:

ClinVar aggregate classification (germline): Uncertain significance (1 of 4 stars; one submission).

Submission:

Ambry Genetics
Classification: Uncertain significance. Last evaluated: 2024-04-01. Review status: criteria provided, single submitter. Criteria: Ambry Variant Classification Scheme 2023. Collection method: clinical testing. Allele origin: germline.
Comment: The p.R98S variant (also known as c.294G>C), located in coding exon 1 of the PALLD gene, results from a G to C substitution at nucleotide position 294. The arginine at codon 98 is replaced by serine, an amino acid with dissimilar properties. This amino acid position is conserved. In addition, this alteration is predicted to be tolerated by in silico analysis. Based on the available evidence, the clinical significance of this alteration remains unclear.

NM_001166108.2(PALLD):c.294G>C (p.Arg98Ser)

Gene: PALLD (palladin, cytoskeletal associated protein; plus strand). Cytogenetic location: 4q32.3.
Variant type: single nucleotide variant.
Coding change: c.294G>C on transcript NM_001166108.2 (MANE Select); coding-DNA position 294, G replaced by C.
Protein change: p.Arg98Ser; replaces arginine 98 with serine.
Molecular consequence: missense variant.
Genome position (GRCh38, 1-based): chr4:168,511,798, G>C. VCF-style: chr4-168511798-G-C. GRCh37 (hg19) VCF-style: chr4-169432949-G-C.
Other names: c.294G>C, p.Arg98Ser (NM_016081.4); short protein forms R98S.
Identifiers: ClinVar variation 3304050 (VCV003304050.1).
Genomic context (GRCh38, chr4:168,511,798, plus strand): 5'-TCCTTCCCATAAGGAGACCAAATTGGGTGAACACGCCTCGAGGAGACCTCAGGATAACAG[G>C]TCAACACCTGTCCAGCCTCTGGCAGAGAAACAAACTAAGAGTATCTCTTCACCTGTTTCA-3'
Protein context (NP_001159580.1, residues 88-108): EHASRRPQDN[Arg98Ser]STPVQPLAEK